The following is an entry in ClinVar:

NM_001127222.2(CACNA1A):c.2430C>A (p.His810Gln)

Gene: CACNA1A (calcium voltage-gated channel subunit alpha1 A; minus strand). Cytogenetic location: 19p13.13.
Variant type: single nucleotide variant.
Coding change: c.2430C>A on transcript NM_001127222.2 (MANE Select); coding-DNA position 2430, C replaced by A.
Protein change: p.His810Gln; replaces histidine 810 with glutamine.
Molecular consequence: missense variant.
Genome position (GRCh38, 1-based): chr19:13,299,203, G>T on the plus strand (C>A on the coding strand, the complement: CACNA1A is on the minus strand). VCF-style: chr19-13299203-G-T. GRCh37 (hg19) VCF-style: chr19-13410017-G-T.
Other names: c.2442C>A, p.His814Gln (NM_000068.4, NM_023035.3); c.2433C>A, p.His811Gln (NM_001127221.2, NM_001174080.2); short protein forms H814Q, H810Q, H811Q.
Identifiers: ClinVar variation 2030307 (VCV002030307.5), dbSNP rs1318727035, ClinGen allele CA404343469.

ClinVar aggregate classification (germline): Uncertain significance. Review status: criteria provided, multiple submitters, no conflicts (2 of 4 stars). 2 submissions from 2 submitters: Uncertain significance (2). Last evaluated 2023-11-30.

Conditions:
Episodic ataxia type 2 (EA2). Also called: ATAXIA, EPISODIC, WITH NYSTAGMUS; ATAXIA, FAMILIAL PAROXYSMAL; CEREBELLAR ATAXIA, PAROXYSMAL, ACETAZOLAMIDE-RESPONSIVE; CEREBELLOPATHY, HEREDITARY PAROXYSMAL; ACETAZOLAMIDE-RESPONSIVE HEREDITARY PAROXYSMAL CEREBELLAR ATAXIA; EPISODIC ATAXIA, NYSTAGMUS-ASSOCIATED. Identifiers: Orphanet 97, MedGen C1720416, MONDO:0007163, OMIM 108500.
Developmental and epileptic encephalopathy, 42 (DEE42A). Also called: Epileptic encephalopathy, early infantile, 42; DEVELOPMENTAL AND EPILEPTIC ENCEPHALOPATHY 42A; EPILEPTIC ENCEPHALOPATHY, EARLY INFANTILE, 42A. Identifiers: MedGen C4310716, MONDO:0014917, OMIM 617106.

Submissions (2):

GeneDx
Classification: Uncertain significance. Last evaluated: 2023-11-30. Review status: criteria provided, single submitter. Criteria: GeneDx Variant Classification Process June 2021. Collection method: clinical testing. Allele origin: germline. Affected: yes.
Comment: Not observed at significant frequency in large population cohorts (gnomAD); In silico analysis supports that this missense variant has a deleterious effect on protein structure/function; Has not been previously published as pathogenic or benign to our knowledge

Labcorp Genetics (formerly Invitae), Labcorp
Classification: Uncertain significance for Developmental and epileptic encephalopathy, 42; Episodic ataxia type 2. Last evaluated: 2022-09-23. Review status: criteria provided, single submitter. Criteria: Invitae Variant Classification Sherloc (09022015). Collection method: clinical testing. Allele origin: germline.
Comment: In summary, the available evidence is currently insufficient to determine the role of this variant in disease. Therefore, it has been classified as a Variant of Uncertain Significance. This sequence change replaces histidine, which is basic and polar, with glutamine, which is neutral and polar, at codon 811 of the CACNA1A protein (p.His811Gln). This variant is not present in population databases (gnomAD no frequency). This variant has not been reported in the literature in individuals affected with CACNA1A-related conditions. Advanced modeling of protein sequence and biophysical properties (such as structural, functional, and spatial information, amino acid conservation, physicochemical variation, residue mobility, and thermodynamic stability) performed at Invitae indicates that this missense variant is not expected to disrupt CACNA1A protein function.